The following is an entry in ClinVar:

NM_015346.4(ZFYVE26):c.887-13G>A

Gene: ZFYVE26 (zinc finger FYVE-type containing 26; minus strand). Cytogenetic location: 14q24.1.
Variant type: single nucleotide variant.
Coding change: c.887-13G>A on transcript NM_015346.4 (MANE Select); 13 bases into the intron before coding-DNA position 887, G replaced by A.
Molecular consequence: intron variant.
Genome position (GRCh38, 1-based): chr14:67,806,688, C>T on the plus strand (G>A on the coding strand, the complement: ZFYVE26 is on the minus strand). VCF-style: chr14-67806688-C-T. GRCh37 (hg19) VCF-style: chr14-68273405-C-T.
Identifiers: ClinVar variation 2682312 (VCV002682312.1), dbSNP rs747603744, ClinGen allele CA2697554012.

ClinVar aggregate classification (germline): Likely benign (1 of 4 stars; one submission).

Submission:

Women's Health and Genetics/Laboratory Corporation of America, LabCorp
Classification: Likely benign. Last evaluated: 2023-11-03. Review status: criteria provided, single submitter. Criteria: LabCorp Variant Classification Summary - May 2015. Collection method: clinical testing. Allele origin: germline.
Comment: Variant summary: ZFYVE26 c.887-13G>A alters a non-conserved nucleotide located at a position not widely known to affect splicing. Consensus agreement among computation tools predict no significant impact on normal splicing. However, these predictions have yet to be confirmed by functional studies. The variant was absent in 247234 control chromosomes (gnomAD). The available data on variant occurrences in the general population are insufficient to allow any conclusion about variant significance. To our knowledge, no occurrence of c.887-13G>A in individuals affected with Hereditary Spastic Paraplegia and no experimental evidence demonstrating its impact on protein function have been reported. No submitters have cited clinical-significance assessments for this variant to ClinVar after 2014. Based on the evidence outlined above, the variant was classified as likely benign.